The following is an entry in ClinVar:

NM_014159.7(SETD2):c.6746A>G (p.His2249Arg)

Gene: SETD2 (SET domain containing 2, histone lysine methyltransferase; minus strand). Cytogenetic location: 3p21.31.
Variant type: single nucleotide variant.
Coding change: c.6746A>G on transcript NM_014159.7 (MANE Select); coding-DNA position 6746, A replaced by G.
Protein change: p.His2249Arg; replaces histidine 2249 with arginine.
Molecular consequence: missense variant. On other transcripts: non-coding transcript variant (1).
Genome position (GRCh38, 1-based): chr3:47,057,038, T>C on the plus strand (A>G on the coding strand, the complement: SETD2 is on the minus strand). VCF-style: chr3-47057038-T-C. GRCh37 (hg19) VCF-style: chr3-47098528-T-C.
Other names: c.6614A>G, p.His2205Arg (NM_001349370.3); short protein forms H2205R, H2249R.
Identifiers: ClinVar variation 3057563 (VCV003057563.2), dbSNP rs756854758, ClinGen allele CA2362671.

ClinVar aggregate classification (germline): Likely benign (0 of 4 stars; one submission).

Conditions:
SETD2-related disorder.

Allele frequency attached by ClinVar (database versions not stated): gnomAD 0.00002; gnomAD exomes 0.00002; TOPMed 0.00003; ExAC 0.00012.
gnomAD v4.1: 26 of 1,614,106 alleles (0.0016%); highest among the groups gnomAD compares: East Asian, 0.056%; no homozygotes.

Submission:

PreventionGenetics, part of Exact Sciences
Classification: Likely benign for SETD2-related condition. Last evaluated: 2019-04-01. Review status: no assertion criteria provided. Collection method: clinical testing. Allele origin: germline.
Comment: This variant is classified as likely benign based on ACMG/AMP sequence variant interpretation guidelines (Richards et al. 2015 PMID: 25741868, with internal and published modifications).